The following is an entry in ClinVar:

ClinVar aggregate classification (germline): Uncertain significance (1 of 4 stars; one submission).

Submission:

CeGaT Center for Human Genetics Tuebingen
Classification: Uncertain significance. Last evaluated: 2023-06-01. Review status: criteria provided, single submitter. Criteria: CeGaT Center For Human Genetics Tuebingen Variant Classification Criteria Version 2. Collection method: clinical testing. Allele origin: germline. Affected: yes. Observed: 2 variant alleles.
Comment: TTN: PM2, BP4

NM_001267550.2(TTN):c.74756T>C (p.Leu24919Pro)

Genes: TTN (titin; minus strand), TTN-AS1 (TTN antisense RNA 1; plus strand). Cytogenetic location: 2q31.2.
Variant type: single nucleotide variant.
Coding change: c.74756T>C on transcript NM_001267550.2 (MANE Select); coding-DNA position 74756, T replaced by C.
Protein change: p.Leu24919Pro; replaces leucine 24919 with proline.
Molecular consequence: missense variant. On other transcripts: non-coding transcript variant (1).
Genome position (GRCh38, 1-based): chr2:178,571,376, A>G on the plus strand (T>C on the coding strand, the complement: TTN is on the minus strand). VCF-style: chr2-178571376-A-G. GRCh37 (hg19) VCF-style: chr2-179436103-A-G.
Other names: c.69833T>C, p.Leu23278Pro (NM_001256850.1); c.47561T>C, p.Leu15854Pro (NM_003319.4); c.67052T>C, p.Leu22351Pro (NM_133378.4); c.47936T>C, p.Leu15979Pro (NM_133432.3); c.48137T>C, p.Leu16046Pro (NM_133437.4); short protein forms L15854P, L15979P, L16046P, L22351P, L23278P, L24919P.
Identifiers: ClinVar variation 2651607 (VCV002651607.24), dbSNP rs1708122276, ClinGen allele CA349631439.